The following is an entry in ClinVar:

ClinVar aggregate classification (germline): Likely benign (1 of 4 stars; one submission).

gnomAD v4.1: 2 of 1,614,108 alleles (0.00012%); highest among the groups gnomAD compares: Non-Finnish European, 0.00017%; no homozygotes.

Submission:

CeGaT Center for Human Genetics Tuebingen
Classification: Likely benign. Last evaluated: 2022-06-01. Review status: criteria provided, single submitter. Criteria: CeGaT Center For Human Genetics Tuebingen Variant Classification Criteria Version 2. Collection method: clinical testing. Allele origin: germline. Affected: yes. Observed: 1 variant allele.
Comment: DSG1: BP4, BP7

NM_001942.4(DSG1):c.2514C>A (p.Thr838=)

Genes: DSG1 (desmoglein 1; plus strand), DSG1-AS1 (DSG1 antisense RNA 1; minus strand), LOC126862720 (MED14-independent group 3 enhancer GRCh37_chr18:28933613-28934812; plus strand). Cytogenetic location: 18q12.1.
Variant type: single nucleotide variant.
Coding change: c.2514C>A on transcript NM_001942.4 (MANE Select); coding-DNA position 2514, C replaced by A.
Protein change: p.Thr838=; no amino-acid change (threonine 838 retained).
Molecular consequence: synonymous variant.
Genome position (GRCh38, 1-based): chr18:31,354,710, C>A. VCF-style: chr18-31354710-C-A. GRCh37 (hg19) VCF-style: chr18-28934673-C-A.
Identifiers: ClinVar variation 2648631 (VCV002648631.24), dbSNP rs758293574, ClinGen allele CA503763515.